The following is an entry in ClinVar:

ClinVar aggregate classification (germline): Uncertain significance (1 of 4 stars; one submission).

gnomAD v4.1: 4 of 1,613,884 alleles (0.00025%); highest among the groups gnomAD compares: Middle Eastern, 0.017%; no homozygotes.

Submission:

GeneDx
Classification: Uncertain significance. Last evaluated: 2018-07-02. Review status: criteria provided, single submitter. Criteria: GeneDx Variant Classification (06012015). Collection method: clinical testing. Allele origin: germline. Affected: yes.
Comment: The R245G variant in the GIPC3 gene has not been reported previously as a pathogenic variant, nor as a benign variant, to our knowledge. The R245G variant is not observed at a significant frequency in large population cohorts (Lek et al., 2016; 1000 Genomes Consortium et al., 2015; Exome Variant Server). The R245G variant is a non-conservative amino acid substitution, which is likely to impact secondary protein structure as these residues differ in polarity, charge, size and/or other properties. This substitution occurs at a position that is not conserved. In silico analysis is inconsistent in its predictions as to whether or not the variant is damaging to the protein structure/function. We interpret R245G as a variant of uncertain significance.

NM_133261.3(GIPC3):c.733C>G (p.Arg245Gly)

Gene: GIPC3 (GIPC PDZ domain containing family member 3; plus strand). Cytogenetic location: 19p13.3.
Variant type: single nucleotide variant.
Coding change: c.733C>G on transcript NM_133261.3 (MANE Select); coding-DNA position 733, C replaced by G.
Protein change: p.Arg245Gly; replaces arginine 245 with glycine.
Molecular consequence: missense variant.
Genome position (GRCh38, 1-based): chr19:3,589,858, C>G. VCF-style: chr19-3589858-C-G. GRCh37 (hg19) VCF-style: chr19-3589856-C-G.
Other names: short protein forms R245G.
Identifiers: ClinVar variation 432285 (VCV000432285.2), dbSNP rs766991127, ClinGen allele CA9080536.